The following is an entry in ClinVar:

NM_001004416.3(UMODL1):c.420T>A (p.Pro140=)

Gene: UMODL1 (uromodulin like 1; plus strand). Cytogenetic location: 21q22.3.
Variant type: single nucleotide variant.
Coding change: c.420T>A on transcript NM_001004416.3 (MANE Select); coding-DNA position 420, T replaced by A.
Protein change: p.Pro140=; no amino-acid change (proline 140 retained).
Molecular consequence: synonymous variant.
Genome position (GRCh38, 1-based): chr21:42,084,184, T>A. VCF-style: chr21-42084184-T-A. GRCh37 (hg19) VCF-style: chr21-43504294-T-A.
Other names: c.204T>A, p.Pro68= (NM_001199527.3, NM_001199528.4); c.420T>A, p.Pro140= (NM_173568.4).
Identifiers: ClinVar variation 2652696 (VCV002652696.24), dbSNP rs375843491, ClinGen allele CA10039191.

ClinVar aggregate classification (germline): Likely benign (1 of 4 stars; one submission).

Allele frequency attached by ClinVar (database versions not stated): ESP Exome Variant Server 0.00033.
gnomAD v4.1: 221 of 1,613,916 alleles (0.014%); highest among the groups gnomAD compares: Non-Finnish European, 0.0018%; 2 homozygotes.

Submission:

CeGaT Center for Human Genetics Tuebingen
Classification: Likely benign. Last evaluated: 2023-04-01. Review status: criteria provided, single submitter. Criteria: CeGaT Center For Human Genetics Tuebingen Variant Classification Criteria Version 2. Collection method: clinical testing. Allele origin: germline. Affected: yes. Observed: 1 variant allele.
Comment: UMODL1: BP4, BP7